The following is an entry in ClinVar:

ClinVar aggregate classification (germline): Conflicting classifications of pathogenicity. Review status: criteria provided, conflicting classifications (1 of 4 stars). 5 submissions from 4 submitters: Uncertain significance (1); Likely benign (3). 1 of the submissions does not count toward it. Last evaluated 2026-01-27.

Conditions:
NF1-related disorder. Also called: NF1-related condition. Identifiers: MedGen CN379171.
Hereditary cancer-predisposing syndrome. Also called: Neoplastic Syndromes, Hereditary; Hereditary Cancer Syndrome; Hereditary neoplastic syndrome; Tumor predisposition. Identifiers: Orphanet 140162, MedGen C0027672, MeSH D009386, MONDO:0015356.
Cardiovascular phenotype. Identifiers: MedGen CN230736.
Neurofibromatosis, type 1 (NF1). Also called: VON RECKLINGHAUSEN DISEASE; Neurofibromatosis, type I; NEUROFIBROMATOSIS, TYPE I, SOMATIC; Peripheral type neurofibromatosis. Identifiers: Orphanet 636, MedGen C0027831, MONDO:0018975, OMIM 162200. Disease mechanism: loss of function.

Allele frequency attached by ClinVar (database versions not stated): gnomAD exomes below 0.00001; gnomAD 0.00003; TOPMed 0.00003.
gnomAD v4.1: 9 of 1,612,636 alleles (0.00056%); highest among the groups gnomAD compares: African/African-American, 0.008%; no homozygotes.

Submissions (5):

Labcorp Genetics (formerly Invitae), Labcorp
Classification: Likely benign for Neurofibromatosis, type 1. Last evaluated: 2026-01-27. Review status: criteria provided, single submitter. Criteria: Invitae Variant Classification Sherloc (09022015). Collection method: clinical testing. Allele origin: germline.

Ambry Genetics
Classification: Likely benign for Cardiovascular phenotype; Hereditary cancer-predisposing syndrome. Last evaluated: 2020-01-29. Review status: criteria provided, single submitter. Criteria: Ambry Variant Classification Scheme 2023. Collection method: clinical testing. Allele origin: germline.

GeneDx
Classification: Likely benign. Last evaluated: 2019-11-11. Review status: criteria provided, single submitter. Criteria: GeneDx Variant Classification Process June 2021. Collection method: clinical testing. Allele origin: germline. Affected: yes.

Ambry Genetics
Classification: Uncertain significance for Hereditary cancer-predisposing syndrome. Last evaluated: 2014-02-06. Review status: criteria provided, single submitter. Criteria: Ambry Autosomal Dominant and X-Linked criteria (10/2015). Collection method: clinical testing. Allele origin: germline. Observed: 1 variant allele.
Comment: The c.6642+4T>C intronic variant results from a T to C substitution 4 nucleotides after coding exon 43 in the NF1 gene. This variant was not reported in population based cohorts in the following databases: Database of Single Nucleotide Polymorphisms (dbSNP), NHLBI Exome Sequencing Project (ESP), and 1000 Genomes Project. This nucleotide position is not well conserved in available vertebrate species.Using the BDGP and ESEfinder splice site prediction tools, this alteration is not expected to have any significant effect on the native splice donor site; however, direct evidence is unavailable.Since supporting evidence is limited at this time, the clinical significance of this variant remains unclear.

PreventionGenetics, part of Exact Sciences
Classification: Likely benign for NF1-related condition. Last evaluated: 2023-11-10. Review status: no assertion criteria provided. Collection method: clinical testing. Allele origin: germline. Not counted in ClinVar's aggregate classification.
Comment: This variant is classified as likely benign based on ACMG/AMP sequence variant interpretation guidelines (Richards et al. 2015 PMID: 25741868, with internal and published modifications).

NM_001042492.3(NF1):c.6642+4T>C

Gene: NF1 (neurofibromin 1; plus strand). Cytogenetic location: 17q11.2.
Variant type: single nucleotide variant.
Coding change: c.6642+4T>C on transcript NM_001042492.3 (MANE Select); 4 bases into the intron after coding-DNA position 6642, T replaced by C.
Molecular consequence: intron variant.
Genome position (GRCh38, 1-based): chr17:31,337,586, T>C. VCF-style: chr17-31337586-T-C. GRCh37 (hg19) VCF-style: chr17-29664604-T-C.
Other names: c.6579+4T>C (NM_000267.4).
Identifiers: ClinVar variation 141361 (VCV000141361.17), dbSNP rs587781687, ClinGen allele CA165218.